The following is an entry in ClinVar:

NM_005733.3(KIF20A):c.335G>A (p.Arg112Gln)

Gene: KIF20A (kinesin family member 20A; plus strand). Cytogenetic location: 5q31.2.
Variant type: single nucleotide variant.
Coding change: c.335G>A on transcript NM_005733.3 (MANE Select); coding-DNA position 335, G replaced by A.
Protein change: p.Arg112Gln; replaces arginine 112 with glutamine.
Molecular consequence: missense variant.
Genome position (GRCh38, 1-based): chr5:138,181,688, G>A. VCF-style: chr5-138181688-G-A. GRCh37 (hg19) VCF-style: chr5-137517377-G-A.
Other names: short protein forms R112Q.
Identifiers: ClinVar variation 1466856 (VCV001466856.8), dbSNP rs752597788, ClinGen allele CA3426281.

ClinVar aggregate classification (germline): Uncertain significance (1 of 4 stars; one submission).

Allele frequency attached by ClinVar (database versions not stated): ExAC 0.00004; gnomAD exomes 0.00004 and 0.00006; gnomAD 0.00005 and 0.00006; TOPMed 0.00005.

Submission:

Labcorp Genetics (formerly Invitae), Labcorp
Classification: Uncertain significance. Last evaluated: 2025-08-03. Review status: criteria provided, single submitter. Criteria: Invitae Variant Classification Sherloc (09022015). Collection method: clinical testing. Allele origin: germline.
Comment: This sequence change replaces arginine, which is basic and polar, with glutamine, which is neutral and polar, at codon 112 of the KIF20A protein (p.Arg112Gln). This variant is present in population databases (rs752597788, gnomAD 0.005%). This variant has not been reported in the literature in individuals affected with KIF20A-related conditions. ClinVar contains an entry for this variant (Variation ID: 1466856). An algorithm developed to predict the effect of missense changes on protein structure and function (PolyPhen-2) suggests that this variant is likely to be disruptive. In summary, the available evidence is currently insufficient to determine the role of this variant in disease. Therefore, it has been classified as a Variant of Uncertain Significance.